The following is an entry in ClinVar:

ClinVar aggregate classification (germline): Likely benign (1 of 4 stars; one submission).

Allele frequency attached by ClinVar (database versions not stated): gnomAD exomes 0.00007; ExAC 0.00008; ESP Exome Variant Server 0.00008; gnomAD 0.00022; TOPMed 0.00025; 1000 Genomes Project 30x 0.00031; 1000 Genomes Project 0.00040.
gnomAD v4.1: 150 of 1,614,112 alleles (0.0093%); highest among the groups gnomAD compares: Middle Eastern, 0.13%; 1 homozygote.

Submission:

CeGaT Center for Human Genetics Tuebingen
Classification: Likely benign. Last evaluated: 2022-10-01. Review status: criteria provided, single submitter. Criteria: CeGaT Center For Human Genetics Tuebingen Variant Classification Criteria Version 2. Collection method: clinical testing. Allele origin: germline. Affected: yes. Observed: 1 variant allele.
Comment: GARRE1: BP4, BP7

NM_014686.5(GARRE1):c.960G>A (p.Ala320=)

Gene: GARRE1 (granule associated Rac and RHOG effector 1; plus strand). Cytogenetic location: 19q13.11.
Variant type: single nucleotide variant.
Coding change: c.960G>A on transcript NM_014686.5 (MANE Select); coding-DNA position 960, G replaced by A.
Protein change: p.Ala320=; no amino-acid change (alanine 320 retained).
Molecular consequence: synonymous variant.
Genome position (GRCh38, 1-based): chr19:34,328,007, G>A. VCF-style: chr19-34328007-G-A. GRCh37 (hg19) VCF-style: chr19-34818912-G-A.
Identifiers: ClinVar variation 2649700 (VCV002649700.24), dbSNP rs376333510, ClinGen allele CA9366133.